The following is an entry in ClinVar:

NM_004415.4(DSP):c.942dup (p.Arg315fs)

Gene: DSP (desmoplakin; plus strand). Cytogenetic location: 6p24.3.
Variant type: Duplication.
Coding change: c.942dup on transcript NM_004415.4 (MANE Select); coding-DNA position 942, one base duplicated (A; older notation c.942dupA).
Protein change: p.Arg315fs; shifts the reading frame from arginine 315.
Molecular consequence: frameshift variant.
Genome position (GRCh38, 1-based): chr6:7,566,379, A duplicated. VCF-style (leftmost placement, unchanged base first): chr6-7566378-T-TA. GRCh37 (hg19) VCF-style: chr6-7566611-T-TA.
Other names: c.942dup, p.Arg315fs (NM_001008844.3, NM_001319034.2); short protein forms R315fs.
Identifiers: ClinVar variation 855556 (VCV000855556.8), dbSNP rs1758864039, ClinGen allele CA916081477.

ClinVar aggregate classification (germline): Pathogenic (1 of 4 stars; one submission).

Conditions:
Arrhythmogenic right ventricular dysplasia 8 (ARVD8). Also called: Arrhythmogenic Right Ventricular Dysplasia/Cardiomyopathy 8; ARRHYTHMOGENIC RIGHT VENTRICULAR DYSPLASIA, FAMILIAL, 8; ARRHYTHMOGENIC RIGHT VENTRICULAR CARDIOMYOPATHY 8. Identifiers: MedGen C1843896, MONDO:0011831, OMIM 607450.
Arrhythmogenic cardiomyopathy with wooly hair and keratoderma. Also called: Arrhythmogenic cardiomyopathy with woolly hair and keratoderma; PALMOPLANTAR KERATODERMA WITH LEFT VENTRICULAR CARDIOMYOPATHY AND WOOLLY HAIR; Dilated cardiomyopathy with woolly hair and keratoderma; Carvajal syndrome. Identifiers: Orphanet 65282, MedGen C1854063, MONDO:0011581, OMIM 605676.

Submission:

Labcorp Genetics (formerly Invitae), Labcorp
Classification: Pathogenic for Arrhythmogenic cardiomyopathy with wooly hair and keratoderma; Arrhythmogenic right ventricular dysplasia 8. Last evaluated: 2020-04-28. Review status: criteria provided, single submitter. Criteria: Invitae Variant Classification Sherloc (09022015). Collection method: clinical testing. Allele origin: germline.
Comment: This variant is not present in population databases (ExAC no frequency). This sequence change creates a premature translational stop signal (p.Arg315Thrfs*8) in the DSP gene. It is expected to result in an absent or disrupted protein product. This variant has not been reported in the literature in individuals with DSP-related conditions. Loss-of-function variants in DSP are known to be pathogenic (PMID: 20716751, 24503780, 25227139). For these reasons, this variant has been classified as Pathogenic.

Literature cited by the submitters: PubMed 20716751; PubMed 24503780; PubMed 25227139.